The following is an entry in ClinVar:

ClinVar aggregate classification (germline): Uncertain significance (1 of 4 stars; one submission).

Conditions:
Cardiovascular phenotype. Identifiers: MedGen CN230736.

Submission:

Ambry Genetics
Classification: Uncertain significance for Cardiovascular phenotype. Last evaluated: 2025-09-25. Review status: criteria provided, single submitter. Criteria: Ambry Variant Classification Scheme 2023. Collection method: clinical testing. Allele origin: germline.
Comment: The p.F2588Y variant (also known as c.7763T>A), located in coding exon 46 of the FLNC gene, results from a T to A substitution at nucleotide position 7763. The phenylalanine at codon 2588 is replaced by tyrosine, an amino acid with highly similar properties. This amino acid position is conserved. In addition, the in silico prediction for this alteration is inconclusive. Based on the available evidence, the clinical significance of this variant remains unclear.

NM_001458.5(FLNC):c.7763T>A (p.Phe2588Tyr)

Genes: FLNC (filamin C; plus strand), FLNC-AS1 (FLNC antisense RNA 1; minus strand). Cytogenetic location: 7q32.1.
Variant type: single nucleotide variant.
Coding change: c.7763T>A on transcript NM_001458.5 (MANE Select); coding-DNA position 7763, T replaced by A.
Protein change: p.Phe2588Tyr; replaces phenylalanine 2588 with tyrosine.
Molecular consequence: missense variant.
Genome position (GRCh38, 1-based): chr7:128,857,319, T>A. VCF-style: chr7-128857319-T-A. GRCh37 (hg19) VCF-style: chr7-128497373-T-A.
Other names: c.7664T>A, p.Phe2555Tyr (NM_001127487.2); short protein forms F2555Y, F2588Y.
Identifiers: ClinVar variation 4614190 (VCV004614190.1).